The following is an entry in ClinVar:

ClinVar aggregate classification (germline): Uncertain significance. Review status: criteria provided, multiple submitters, no conflicts (2 of 4 stars). 2 submissions from 2 submitters: Uncertain significance (2). Last evaluated 2024-01-01.

Allele frequency attached by ClinVar (database versions not stated): gnomAD 0.00001; gnomAD exomes 0.00001; TOPMed 0.00001.
gnomAD v4.1: 21 of 1,551,670 alleles (0.0014%); highest among the groups gnomAD compares: Non-Finnish European, 0.0017%; 1 homozygote.

Submissions (2):

CeGaT Center for Human Genetics Tuebingen
Classification: Uncertain significance. Last evaluated: 2024-01-01. Review status: criteria provided, single submitter. Criteria: CeGaT Center For Human Genetics Tuebingen Variant Classification Criteria Version 2. Collection method: clinical testing. Allele origin: germline. Affected: yes. Observed: 1 variant allele.
Comment: DNAH6: PM2, BP4

Ambry Genetics
Classification: Uncertain significance. Last evaluated: 2023-06-27. Review status: criteria provided, single submitter. Criteria: Ambry Variant Classification Scheme 2023. Collection method: clinical testing. Allele origin: germline.

NM_001370.2(DNAH6):c.9457C>T (p.Arg3153Cys)

Gene: DNAH6 (dynein axonemal heavy chain 6; plus strand). Cytogenetic location: 2p11.2.
Variant type: single nucleotide variant.
Coding change: c.9457C>T on transcript NM_001370.2 (MANE Select); coding-DNA position 9457, C replaced by T.
Protein change: p.Arg3153Cys; replaces arginine 3153 with cysteine.
Molecular consequence: missense variant.
Genome position (GRCh38, 1-based): chr2:84,713,173, C>T. VCF-style: chr2-84713173-C-T. GRCh37 (hg19) VCF-style: chr2-84940297-C-T.
Other names: short protein forms R3153C.
Identifiers: ClinVar variation 2599502 (VCV002599502.24), dbSNP rs777548941, ClinGen allele CA52282859.
Genomic context (GRCh38, chr2:84,713,173, plus strand): 5'-CCAGCTCTAGAACCCATTCTTTTGAAACAAATTTTTATCAGTGGTGGCCGACTACTCATC[C>T]GTCTTGGAGACTCAGACATTGATTATGACAAAAACTTTAGGTTCTATATGACAACCAAAA-3'
Protein context (NP_001361.1, residues 3143-3163): IFISGGRLLI[Arg3153Cys]LGDSDIDYDK